The following is an entry in ClinVar:

NM_001089.3(ABCA3):c.3746T>C (p.Phe1249Ser)

Gene: ABCA3 (ATP binding cassette subfamily A member 3; minus strand). Cytogenetic location: 16p13.3.
Variant type: single nucleotide variant.
Coding change: c.3746T>C on transcript NM_001089.3 (MANE Select); coding-DNA position 3746, T replaced by C.
Protein change: p.Phe1249Ser; replaces phenylalanine 1249 with serine.
Molecular consequence: missense variant.
Genome position (GRCh38, 1-based): chr16:2,284,395, A>G on the plus strand (T>C on the coding strand, the complement: ABCA3 is on the minus strand). VCF-style: chr16-2284395-A-G. GRCh37 (hg19) VCF-style: chr16-2334396-A-G.
Other names: short protein forms F1249S.
Identifiers: ClinVar variation 3670498 (VCV003670498.2).

ClinVar aggregate classification (germline): Uncertain significance (1 of 4 stars; one submission).

Submission:

Labcorp Genetics (formerly Invitae), Labcorp
Classification: Uncertain significance. Last evaluated: 2024-12-08. Review status: criteria provided, single submitter. Criteria: Invitae Variant Classification Sherloc (09022015). Collection method: clinical testing. Allele origin: germline.
Comment: This sequence change replaces phenylalanine, which is neutral and non-polar, with serine, which is neutral and polar, at codon 1249 of the ABCA3 protein (p.Phe1249Ser). This variant is not present in population databases (gnomAD no frequency). This variant has not been reported in the literature in individuals affected with ABCA3-related conditions. Invitae Evidence Modeling of protein sequence and biophysical properties (such as structural, functional, and spatial information, amino acid conservation, physicochemical variation, residue mobility, and thermodynamic stability) has been performed for this missense variant. However, the output from this modeling did not meet the statistical confidence thresholds required to predict the impact of this variant on ABCA3 protein function. In summary, the available evidence is currently insufficient to determine the role of this variant in disease. Therefore, it has been classified as a Variant of Uncertain Significance.